The following is an entry in ClinVar:

NM_017635.5(KMT5B):c.1295_1296del (p.Ile432fs)

Gene: KMT5B (lysine methyltransferase 5B; minus strand). Cytogenetic location: 11q13.2.
Variant type: Microsatellite.
Coding change: c.1295_1296del on transcript NM_017635.5 (MANE Select); coding-DNA positions 1295 to 1296, 2 bases deleted (TA; older notation c.1295_1296delTA).
Protein change: p.Ile432fs; shifts the reading frame from isoleucine 432.
Molecular consequence: frameshift variant.
Genome position (GRCh38, 1-based): chr11:68,159,050-68,159,051, TA deleted on the plus strand (TA on the coding strand, the reverse complement: KMT5B is on the minus strand); deleting any 2 consecutive bases within chr11:68,159,050-68,159,054 gives the same sequence; the c. name uses the placement nearest the transcript's 3' end. VCF-style (leftmost placement, unchanged base first): chr11-68159049-TTA-T. GRCh37 (hg19) VCF-style: chr11-67926516-TTA-T.
Other names: c.1295_1296del (NM_017635.3); c.1295_1296del, p.Ile432fs (NM_001369426.1); c.779_780del, p.Ile260fs (NM_001369428.1, NM_001369429.1, NM_001369430.1 and 4 more transcripts); c.575_576del, p.Ile192fs (NM_001300908.2); short protein forms I192fs, I260fs, I432fs.
Identifiers: ClinVar variation 4537507 (VCV004537507.2).

ClinVar aggregate classification (germline): Likely pathogenic. Review status: criteria provided, multiple submitters, no conflicts (2 of 4 stars). 2 submissions from 2 submitters: Likely pathogenic (2). Last evaluated 2026-04-13.

Conditions:
Intellectual developmental disorder, autosomal dominant 51. Also called: MENTAL RETARDATION, AUTOSOMAL DOMINANT 51; Intellectual disability, autosomal dominant 51. Identifiers: Orphanet 684226, MedGen C4540474, MONDO:0030917, OMIM 617788.

Submissions (2):

GeneDx
Classification: Likely pathogenic. Last evaluated: 2026-04-13. Review status: criteria provided, single submitter. Criteria: GeneDx Variant Classification Process June 2021. Collection method: clinical testing. Allele origin: germline.
Comment: Frameshift variant predicted to result in abnormal protein length as the last 454 amino acid(s) are replaced with 1 different amino acid(s), and other similar variants have been reported in HGMD; Not observed at significant frequency in large population cohorts (gnomAD); Has not been previously published as pathogenic or benign to our knowledge

Institute for Medical Genetics and Human Genetics, Charité - Universitätsmedizin Berlin
Classification: Likely pathogenic for Intellectual developmental disorder, autosomal dominant 51. Review status: criteria provided, single submitter. Criteria: ACMG Guidelines, 2015. Collection method: not provided. Allele origin: germline. Inheritance: Autosomal dominant inheritance. Affected: yes.